The following is an entry in ClinVar:

NM_001139498.2(FGF13):c.50-148706G>A

Gene: FGF13 (fibroblast growth factor 13; minus strand). Cytogenetic location: Xq26.3.
Variant type: single nucleotide variant.
Coding change: c.50-148706G>A on transcript NM_001139498.2; 148706 bases into the intron before coding-DNA position 50, G replaced by A.
Molecular consequence: intron variant. On other transcripts: missense variant (3).
Genome position (GRCh38, 1-based): chrX:138,857,634, C>T on the plus strand (G>A on the coding strand, the complement: FGF13 is on the minus strand). VCF-style: chrX-138857634-C-T. GRCh37 (hg19) VCF-style: chrX-137939796-C-T.
Other names: c.95G>A, p.Arg32Gln (NM_001139500.2); c.8G>A, p.Arg3Gln (NM_001139501.2, NM_001139502.2); short protein forms R32Q, R3Q.
Identifiers: ClinVar variation 4540166 (VCV004540166.1).

ClinVar aggregate classification (germline): Uncertain significance (1 of 4 stars; one submission).

gnomAD v4.1: 2 of 1,208,142 alleles (0.00017%); highest among the groups gnomAD compares: South Asian, 0.0018%; no homozygotes.

Submission:

GeneDx
Classification: Uncertain significance. Last evaluated: 2025-06-23. Review status: criteria provided, single submitter. Criteria: GeneDx Variant Classification Process June 2021. Collection method: clinical testing. Allele origin: germline. Affected: yes.
Comment: Not observed at significant frequency in large population cohorts (gnomAD); In silico analysis supports that this missense variant has a deleterious effect on protein structure/function; Has not been previously published as pathogenic or benign to our knowledge; Reported using an alternate transcript of the gene